The following is an entry in ClinVar:

NM_001018115.3(FANCD2):c.1011C>A (p.Ser337Arg)

Genes: FANCD2 (FA complementation group D2; plus strand), LOC107303338 (3p25 FANCD2 Alu-mediated recombination region; plus strand). Cytogenetic location: 3p25.3.
Variant type: single nucleotide variant.
Coding change: c.1011C>A on transcript NM_001018115.3 (MANE Select); coding-DNA position 1011, C replaced by A.
Protein change: p.Ser337Arg; replaces serine 337 with arginine.
Molecular consequence: missense variant.
Genome position (GRCh38, 1-based): chr3:10,043,505, C>A. VCF-style: chr3-10043505-C-A. GRCh37 (hg19) VCF-style: chr3-10085189-C-A.
Other names: c.1011C>A, p.Ser337Arg (NM_001319984.2, NM_001374253.1, NM_001374254.1 and 1 more transcripts); short protein forms S337R.
Identifiers: ClinVar variation 936827 (VCV000936827.9), dbSNP rs748171507, ClinGen allele CA2249463.

ClinVar aggregate classification (germline): Uncertain significance (1 of 4 stars; one submission).

Conditions:
Fanconi anemia (FA). Also called: Fanconi's anemia. Identifiers: Orphanet 84, MedGen C0015625, MeSH D005199, MONDO:0019391.

Allele frequency attached by ClinVar (database versions not stated): TOPMed below 0.00001; gnomAD exomes 0.00001 and 0.00003; ExAC 0.00002.
gnomAD v4.1: 13 of 1,613,746 alleles (0.00081%); highest among the groups gnomAD compares: South Asian, 0.013%; no homozygotes.

Submission:

Labcorp Genetics (formerly Invitae), Labcorp
Classification: Uncertain significance for Fanconi anemia. Last evaluated: 2026-01-27. Review status: criteria provided, single submitter. Criteria: Invitae Variant Classification Sherloc (09022015). Collection method: clinical testing. Allele origin: germline.
Comment: This sequence change replaces serine, which is neutral and polar, with arginine, which is basic and polar, at codon 337 of the FANCD2 protein (p.Ser337Arg). This variant is present in population databases (rs748171507, gnomAD 0.02%). This variant has not been reported in the literature in individuals affected with FANCD2-related conditions. ClinVar contains an entry for this variant (Variation ID: 936827). Invitae Evidence Modeling of protein sequence and biophysical properties (such as structural, functional, and spatial information, amino acid conservation, physicochemical variation, residue mobility, and thermodynamic stability) indicates that this missense variant is not expected to disrupt FANCD2 protein function with a negative predictive value of 80%. In summary, the available evidence is currently insufficient to determine the role of this variant in disease. Therefore, it has been classified as a Variant of Uncertain Significance.